The following is an entry in ClinVar:

NM_177972.3(TUB):c.1303G>A (p.Asp435Asn)

Genes: TUB (TUB bipartite transcription factor; plus strand), RIC3 (RIC3 acetylcholine receptor chaperone; minus strand). Cytogenetic location: 11p15.4.
Variant type: single nucleotide variant.
Coding change: c.1303G>A on transcript NM_177972.3 (MANE Select); coding-DNA position 1303, G replaced by A.
Protein change: p.Asp435Asn; replaces aspartic acid 435 with asparagine.
Molecular consequence: missense variant.
Genome position (GRCh38, 1-based): chr11:8,100,913, G>A. VCF-style: chr11-8100913-G-A. GRCh37 (hg19) VCF-style: chr11-8122460-G-A.
Other names: c.1468G>A, p.Asp490Asn (NM_003320.5); c.1468G>A (NM_003320.4); short protein forms D435N, D490N.
Identifiers: ClinVar variation 1460929 (VCV001460929.7), dbSNP rs1337703401, ClinGen allele CA379572001.

ClinVar aggregate classification (germline): Uncertain significance. Review status: criteria provided, multiple submitters, no conflicts (2 of 4 stars). 3 submissions from 3 submitters: Uncertain significance (3). Last evaluated 2025-08-22.

Conditions:
TUB-related disorder. Also called: TUB-related condition.

Allele frequency attached by ClinVar (database versions not stated): gnomAD exomes 0.00001.
gnomAD v4.1: 3 of 1,614,140 alleles (0.00019%); highest among the groups gnomAD compares: Admixed American, 0.0033%; no homozygotes.

Submissions (3):

PreventionGenetics, part of Exact Sciences
Classification: Uncertain significance for TUB-related condition. Last evaluated: 2025-08-22. Review status: criteria provided, single submitter. Criteria: ACMG Guidelines, 2015. Collection method: clinical testing. Allele origin: germline.
Comment: The TUB c.1468G>A variant is predicted to result in the amino acid substitution p.Asp490Asn. To our knowledge, this variant has not been reported in the literature. This variant is reported in 0.0087% of alleles in individuals of Latino descent in gnomAD. At this time, the clinical significance of this variant is uncertain due to the absence of conclusive functional and genetic evidence.

GeneDx
Classification: Uncertain significance. Last evaluated: 2025-06-11. Review status: criteria provided, single submitter. Criteria: GeneDx Variant Classification Process June 2021. Collection method: clinical testing. Allele origin: germline. Affected: yes.
Comment: In silico analysis supports that this missense variant has a deleterious effect on protein structure/function; Has not been previously published as pathogenic or benign to our knowledge

Labcorp Genetics (formerly Invitae), Labcorp
Classification: Uncertain significance. Last evaluated: 2021-08-27. Review status: criteria provided, single submitter. Criteria: Invitae Variant Classification Sherloc (09022015). Collection method: clinical testing. Allele origin: germline.
Comment: This sequence change replaces aspartic acid with asparagine at codon 490 of the TUB protein (p.Asp490Asn). The aspartic acid residue is highly conserved and there is a small physicochemical difference between aspartic acid and asparagine. This variant is not present in population databases (ExAC no frequency). This variant has not been reported in the literature in individuals affected with TUB-related conditions. Algorithms developed to predict the effect of missense changes on protein structure and function are either unavailable or do not agree on the potential impact of this missense change (SIFT: "Deleterious"; PolyPhen-2: "Probably Damaging"; Align-GVGD: "Class C0"). In summary, the available evidence is currently insufficient to determine the role of this variant in disease. Therefore, it has been classified as a Variant of Uncertain Significance.